The following is an entry in ClinVar:

ClinVar aggregate classification (germline): Uncertain significance (1 of 4 stars; one submission).

Conditions:
Emery-Dreifuss muscular dystrophy 5, autosomal dominant (EDMD5). Also called: EMERY-DREIFUSS MUSCULAR DYSTROPHY 5. Identifiers: Orphanet 261, MedGen C2751805, MONDO:0013072, OMIM 612999.

Allele frequency attached by ClinVar (database versions not stated): gnomAD exomes below 0.00001.
gnomAD v4.1: 3 of 1,614,198 alleles (0.00019%); highest among the groups gnomAD compares: Admixed American, 0.0017%; no homozygotes.

Submission:

Labcorp Genetics (formerly Invitae), Labcorp
Classification: Uncertain significance for Emery-Dreifuss muscular dystrophy 5, autosomal dominant. Last evaluated: 2023-07-06. Review status: criteria provided, single submitter. Criteria: Invitae Variant Classification Sherloc (09022015). Collection method: clinical testing. Allele origin: germline.
Comment: This variant has not been reported in the literature in individuals affected with SYNE2-related conditions. This variant is present in population databases (no rsID available, gnomAD 0.003%). This sequence change replaces isoleucine, which is neutral and non-polar, with methionine, which is neutral and non-polar, at codon 1301 of the SYNE2 protein (p.Ile1301Met). Algorithms developed to predict the effect of missense changes on protein structure and function output the following: SIFT: "Not Available"; PolyPhen-2: "Benign"; Align-GVGD: "Not Available". The methionine amino acid residue is found in multiple mammalian species, which suggests that this missense change does not adversely affect protein function. In summary, the available evidence is currently insufficient to determine the role of this variant in disease. Therefore, it has been classified as a Variant of Uncertain Significance.

NM_182914.3(SYNE2):c.3903A>G (p.Ile1301Met)

Gene: SYNE2 (spectrin repeat containing nuclear envelope protein 2; plus strand). Cytogenetic location: 14q23.2.
Variant type: single nucleotide variant.
Coding change: c.3903A>G on transcript NM_182914.3 (MANE Select); coding-DNA position 3903, A replaced by G.
Protein change: p.Ile1301Met; replaces isoleucine 1301 with methionine.
Molecular consequence: missense variant.
Genome position (GRCh38, 1-based): chr14:64,002,836, A>G. VCF-style: chr14-64002836-A-G. GRCh37 (hg19) VCF-style: chr14-64469554-A-G.
Other names: c.3903A>G, p.Ile1301Met (NM_015180.6); short protein forms I1301M.
Identifiers: ClinVar variation 2736331 (VCV002736331.3), dbSNP rs1199251112, ClinGen allele CA389996846.